The following is an entry in ClinVar:

NM_004333.6(BRAF):c.83GCGCCG[5] (p.28GA[5])

Gene: BRAF (B-Raf proto-oncogene, serine/threonine kinase; minus strand). Cytogenetic location: 7q34.
Variant type: Microsatellite.
Coding change: c.83GCGCCG[5] on transcript NM_004333.6 (MANE Select); five copies in a row of the 6-base unit GCGCCG starting at c.83; the reference has three copies in a row; two copies, 12 bases duplicated; also written c.89_100dup.
Protein change: p.28GA[5].
Molecular consequence: inframe insertion.
Genome position (GRCh38, 1-based): chr7:140,924,604-140,924,615, CGGCGCCGGCGC duplicated on the plus strand (GCGCCGGCGCCG on the coding strand, the reverse complement: BRAF is on the minus strand); duplicating any 12 consecutive bases within chr7:140,924,604-140,924,625 gives the same sequence; the position shown is the placement nearest the transcript's 3' end. VCF-style (leftmost placement, unchanged base first): chr7-140924603-G-GCGGCGCCGGCGC. GRCh37 (hg19) VCF-style: chr7-140624403-G-GCGGCGCCGGCGC.
Other names: c.89_100dup (NM_004333.4); c.83GCGCCG[5], p.28GA[5] (NM_001354609.2, NM_001374244.1, NM_001374258.1 and 7 more transcripts); c.89_100dup12 (NM_004333.4).
Identifiers: ClinVar variation 412321 (VCV000412321.11), dbSNP rs397507458, ClinGen allele CA16612280.

ClinVar aggregate classification (germline): Uncertain significance. Review status: criteria provided, multiple submitters, no conflicts (2 of 4 stars). 3 submissions from 3 submitters: Uncertain significance (3). Last evaluated 2025-12-11.

Conditions:
BRAF-related disorder. Also called: BRAF-related condition.
RASopathy. Also called: Noonan spectrum disorder; rasopathies. Identifiers: Orphanet 536391, MedGen C5555857, MONDO:0021060.

Submissions (3):

Labcorp Genetics (formerly Invitae), Labcorp
Classification: Uncertain significance for RASopathy. Last evaluated: 2025-12-11. Review status: criteria provided, single submitter. Criteria: Invitae Variant Classification Sherloc (09022015). Collection method: clinical testing. Allele origin: germline.
Comment: This variant, c.89_100dup, results in the insertion of 4 amino acid(s) of the BRAF protein (p.Gly30_Ala33dup), but otherwise preserves the integrity of the reading frame. This variant is not present in population databases (gnomAD no frequency). This variant has been observed in individual(s) with clinical features of BRAF-related conditions (internal data). ClinVar contains an entry for this variant (Variation ID: 412321). In summary, the available evidence is currently insufficient to determine the role of this variant in disease. Therefore, it has been classified as a Variant of Uncertain Significance.

PreventionGenetics, part of Exact Sciences
Classification: Uncertain significance for BRAF-related condition. Last evaluated: 2025-03-28. Review status: criteria provided, single submitter. Criteria: ACMG Guidelines, 2015. Collection method: clinical testing. Allele origin: germline.
Comment: The BRAF c.89_100dup12 variant is predicted to result in an in-frame duplication (p.Gly30_Ala33dup). To our knowledge, this variant has not been reported in the literature or in a large population database (gnomAD), indicating this variant is rare. At this time, the clinical significance of this variant is uncertain due to the absence of conclusive functional and genetic evidence.

GeneDx
Classification: Uncertain significance. Last evaluated: 2024-09-11. Review status: criteria provided, single submitter. Criteria: GeneDx Variant Classification Process June 2021. Collection method: clinical testing. Allele origin: germline. Affected: yes.
Comment: Has not been previously published as pathogenic or benign to our knowledge; In-frame insertion of four amino acids in a repetitive region with no known function; Not observed at significant frequency in large population cohorts (gnomAD)